The following is an entry in ClinVar:

NM_177550.5(SLC13A5):c.737A>G (p.Asp246Gly)

Gene: SLC13A5 (solute carrier family 13 member 5; minus strand). Cytogenetic location: 17p13.1.
Variant type: single nucleotide variant.
Coding change: c.737A>G on transcript NM_177550.5 (MANE Select); coding-DNA position 737, A replaced by G.
Protein change: p.Asp246Gly; replaces aspartic acid 246 with glycine.
Molecular consequence: missense variant.
Genome position (GRCh38, 1-based): chr17:6,701,106, T>C on the plus strand (A>G on the coding strand, the complement: SLC13A5 is on the minus strand). VCF-style: chr17-6701106-T-C. GRCh37 (hg19) VCF-style: chr17-6604425-T-C.
Other names: c.737A>G, p.Asp246Gly (NM_001143838.3); c.686A>G, p.Asp229Gly (NM_001284509.2); c.608A>G, p.Asp203Gly (NM_001284510.2); short protein forms D229G, D203G, D246G.
Identifiers: ClinVar variation 939748 (VCV000939748.10), dbSNP rs778721131, ClinGen allele CA8331615.

ClinVar aggregate classification (germline): Uncertain significance (1 of 4 stars; one submission).

Conditions:
Developmental and epileptic encephalopathy, 25 (DEE25). Also called: Epileptic encephalopathy, early infantile, 25; Developmental and epileptic encephalopathy 25, with amelogenesis imperfecta; Epileptic encephalopathy, early infantile, 25, with amelogenesis imperfecta. Identifiers: Orphanet 442835, MedGen C4014621, MONDO:0014392, OMIM 615905.

Allele frequency attached by ClinVar (database versions not stated): gnomAD exomes below 0.00001; ExAC 0.00001; TOPMed 0.00001.
gnomAD v4.1: 5 of 1,613,978 alleles (0.00031%); highest among the groups gnomAD compares: Non-Finnish European, 0.00034%; no homozygotes.

Submission:

Labcorp Genetics (formerly Invitae), Labcorp
Classification: Uncertain significance for Developmental and epileptic encephalopathy, 25. Last evaluated: 2022-07-14. Review status: criteria provided, single submitter. Criteria: Invitae Variant Classification Sherloc (09022015). Collection method: clinical testing. Allele origin: germline.
Comment: This sequence change replaces aspartic acid, which is acidic and polar, with glycine, which is neutral and non-polar, at codon 246 of the SLC13A5 protein (p.Asp246Gly). This variant is present in population databases (rs778721131, gnomAD 0.0009%). This variant has not been reported in the literature in individuals affected with SLC13A5-related conditions. ClinVar contains an entry for this variant (Variation ID: 939748). Algorithms developed to predict the effect of missense changes on protein structure and function (SIFT, PolyPhen-2, Align-GVGD) all suggest that this variant is likely to be tolerated. In summary, the available evidence is currently insufficient to determine the role of this variant in disease. Therefore, it has been classified as a Variant of Uncertain Significance.